The following is an entry in ClinVar:

NM_000059.4(BRCA2):c.9466C>T (p.Gln3156Ter)

Gene: BRCA2 (BRCA2 DNA repair associated; plus strand). Cytogenetic location: 13q13.1.
Variant type: single nucleotide variant.
Coding change: c.9466C>T on transcript NM_000059.4 (MANE Select); coding-DNA position 9466, C replaced by T.
Protein change: p.Gln3156Ter; replaces glutamine 3156 with a stop codon.
Molecular consequence: nonsense.
Genome position (GRCh38, 1-based): chr13:32,394,898, C>T. VCF-style: chr13-32394898-C-T. GRCh37 (hg19) VCF-style: chr13-32969035-C-T.
Other names: short protein forms Q3156*.
Identifiers: ClinVar variation 52844 (VCV000052844.4), dbSNP rs276174925, ClinGen allele CA026170.

ClinVar aggregate classification (germline): Pathogenic. Review status: reviewed by expert panel (3 of 4 stars). 2 submissions from 2 submitters: Pathogenic (1). 1 of the submissions does not count toward it. Last evaluated 2016-09-08.

Conditions:
Breast-ovarian cancer, familial, susceptibility to, 2 (BROVCA2). Also called: BRCA2 Hereditary Breast and Ovarian Cancer. Identifiers: Orphanet 145, MedGen C2675520, MONDO:0012933, OMIM 612555. Disease mechanism: loss of function.

Submissions (2):

Evidence-based Network for the Interpretation of Germline Mutant Alleles (ENIGMA)
Classification: Pathogenic for Breast-ovarian cancer, familial, susceptibility to, 2. Last evaluated: 2016-09-08. Review status: reviewed by expert panel. Criteria: ENIGMA BRCA1/2 Classification Criteria (2015). Collection method: curation. Allele origin: germline.
Comment: Variant allele predicted to encode a truncated non-functional protein.

Breast Cancer Information Core (BIC) (BRCA2)
Classification: Uncertain significance for Breast-ovarian cancer, familial 2. Last evaluated: 2011-03-02. Review status: no assertion criteria provided. Collection method: clinical testing. Allele origin: germline. Affected: yes. Observed: 1 variant allele. Not counted in ClinVar's aggregate classification.